The following is an entry in ClinVar:

ClinVar aggregate classification (germline): Uncertain significance (1 of 4 stars; one submission).

Submission:

Labcorp Genetics (formerly Invitae), Labcorp
Classification: Uncertain significance. Last evaluated: 2024-08-31. Review status: criteria provided, single submitter. Criteria: Invitae Variant Classification Sherloc (09022015). Collection method: clinical testing. Allele origin: germline.
Comment: This sequence change falls in intron 20 of the ATP1A1 gene. It does not directly change the encoded amino acid sequence of the ATP1A1 protein. It affects a nucleotide within the consensus splice site. This variant is not present in population databases (gnomAD no frequency). This variant has not been reported in the literature in individuals affected with ATP1A1-related conditions. Variants that disrupt the consensus splice site are a relatively common cause of aberrant splicing (PMID: 17576681, 9536098). Algorithms developed to predict the effect of sequence changes on RNA splicing suggest that this variant is not likely to affect RNA splicing. In summary, the available evidence is currently insufficient to determine the role of this variant in disease. Therefore, it has been classified as a Variant of Uncertain Significance.

Literature cited by the submitters: PubMed 17576681; PubMed 9536098.

NM_000701.8(ATP1A1):c.2850-3T>C

Genes: ATP1A1 (ATPase Na+/K+ transporting subunit alpha 1; plus strand), ATP1A1-AS1 (ATP1A1 antisense RNA 1; minus strand). Cytogenetic location: 1p13.1.
Variant type: single nucleotide variant.
Coding change: c.2850-3T>C on transcript NM_000701.8 (MANE Select); 3 bases into the intron before coding-DNA position 2850, T replaced by C.
Molecular consequence: intron variant.
Genome position (GRCh38, 1-based): chr1:116,401,551, T>C. VCF-style: chr1-116401551-T-C. GRCh37 (hg19) VCF-style: chr1-116944173-T-C.
Other names: c.2850-3T>C (NM_001160233.2); c.2757-3T>C (NM_001160234.2).
Identifiers: ClinVar variation 3664037 (VCV003664037.2).